The following is an entry in ClinVar:

ClinVar aggregate classification (germline): Uncertain significance. Review status: criteria provided, multiple submitters, no conflicts (2 of 4 stars). 3 submissions from 3 submitters: Uncertain significance (3). Last evaluated 2023-11-13.

Conditions:
Cardiovascular phenotype. Identifiers: MedGen CN230736.
Brugada syndrome. Also called: Sudden unexpected nocturnal death syndrome; Sudden Unexplained Death Syndrome; Sudden Unexplained Nocturnal Death Syndrome (SUNDS); Sudden unexplained nocturnal death syndrome. Identifiers: Orphanet 130, MedGen C1142166, MONDO:0015263.

Submissions (3):

Ambry Genetics
Classification: Uncertain significance for Cardiovascular phenotype. Last evaluated: 2023-11-13. Review status: criteria provided, single submitter. Criteria: Ambry Variant Classification Scheme 2023. Collection method: clinical testing. Allele origin: germline.
Comment: The c.4669dupT variant, located in coding exon 27 of the SCN10A gene, results from a duplication of T at nucleotide position 4669, causing a translational frameshift with a predicted alternate stop codon (p.S1557Ffs*5). This alteration is expected to result in protein truncation or nonsense-mediated mRNA decay. However, loss of function of SCN10A has not been established as a mechanism of disease. The evidence for this gene-disease relationship is limited; therefore, the clinical significance of this alteration is unclear.

GeneDx
Classification: Uncertain significance. Last evaluated: 2023-06-23. Review status: criteria provided, single submitter. Criteria: GeneDx Variant Classification Process June 2021. Collection method: clinical testing. Allele origin: germline. Affected: yes.
Comment: Not observed at significant frequency in large population cohorts (gnomAD); Frameshift variant predicted to result in protein truncation as the last 400 amino acids are replaced with 4 different amino acids, although loss-of-function variants have not been reported downstream of this position in the protein; Has not been previously published as pathogenic or benign to our knowledge

Labcorp Genetics (formerly Invitae), Labcorp
Classification: Uncertain significance for Brugada syndrome. Last evaluated: 2022-07-14. Review status: criteria provided, single submitter. Criteria: Invitae Variant Classification Sherloc (09022015). Collection method: clinical testing. Allele origin: germline.
Comment: In summary, the available evidence is currently insufficient to determine the role of this variant in disease. Therefore, it has been classified as a Variant of Uncertain Significance. This sequence change creates a premature translational stop signal (p.Ser1557Phefs*5) in the SCN10A gene. While this is not anticipated to result in nonsense mediated decay, it is expected to disrupt the last 400 amino acid(s) of the SCN10A protein. This variant is present in population databases (no rsID available, gnomAD 0.0009%). This variant has not been reported in the literature in individuals affected with SCN10A-related conditions. Experimental studies and prediction algorithms are not available or were not evaluated, and the functional significance of this variant is currently unknown.

NM_006514.4(SCN10A):c.4669dup (p.Ser1557fs)

Gene: SCN10A (sodium voltage-gated channel alpha subunit 10; minus strand). Cytogenetic location: 3p22.2.
Variant type: Duplication.
Coding change: c.4669dup on transcript NM_006514.4 (MANE Select); coding-DNA position 4669, one base duplicated (T; older notation c.4669dupT).
Protein change: p.Ser1557fs; shifts the reading frame from serine 1557.
Molecular consequence: frameshift variant.
Genome position (GRCh38, 1-based): chr3:38,698,551, A duplicated on the plus strand (T on the coding strand, the reverse complement: SCN10A is on the minus strand); the first of 6 consecutive A bases (chr3:38,698,551-38,698,556); duplicating any one gives the same sequence. VCF-style (leftmost placement, unchanged base first): chr3-38698550-G-GA. GRCh37 (hg19) VCF-style: chr3-38740041-G-GA.
Other names: c.4669dupT (NM_006514.2); c.4669dup (NM_006514.2); c.4666dup, p.Ser1556fs (NM_001293306.2); c.4375dup, p.Ser1459fs (NM_001293307.2); short protein forms S1556fs, S1459fs, S1557fs.
Identifiers: ClinVar variation 2140261 (VCV002140261.6), dbSNP rs1559407320, ClinGen allele CA542615797.
Genomic context (GRCh38, chr3:38,698,550, plus strand): 5'-AGGCGGATGACTCTGAAGAGCGTTGGGGAGAAGTAACTTTGAAGTGACTTAAGAATTGCA[G>GA]AAAAAATCAGGCCTTTAAAAGAAGGAAGAAATTATCTAATTAGTATCTCCAGCCATGAGA-3'